The following is an entry in ClinVar:

ClinVar aggregate classification (germline): Likely benign (1 of 4 stars; one submission).

Submission:

CeGaT Center for Human Genetics Tuebingen
Classification: Likely benign. Last evaluated: 2026-07-01. Review status: criteria provided, single submitter. Criteria: CeGaT Center For Human Genetics Tuebingen Variant Classification Criteria Version 2. Collection method: clinical testing. Allele origin: germline. Affected: yes. Observed: 1 variant allele.
Comment: TDP2: BP4, BP7

NM_016614.3(TDP2):c.105C>T (p.Val35=)

Genes: TDP2 (tyrosyl-DNA phosphodiesterase 2; minus strand), LOC113174982 (Sharpr-MPRA regulatory region 5933; plus strand). Cytogenetic location: 6p22.3.
Variant type: single nucleotide variant.
Coding change: c.105C>T on transcript NM_016614.3 (MANE Select); coding-DNA position 105, C replaced by T.
Protein change: p.Val35=; no amino-acid change (valine 35 retained).
Molecular consequence: synonymous variant.
Genome position (GRCh38, 1-based): chr6:24,666,758, G>A on the plus strand (C>T on the coding strand, the complement: TDP2 is on the minus strand). VCF-style: chr6-24666758-G-A. GRCh37 (hg19) VCF-style: chr6-24666986-G-A.
Identifiers: ClinVar variation 5039372 (VCV005039372.1).